The following is an entry in ClinVar:

ClinVar aggregate classification (germline): Uncertain significance (1 of 4 stars; one submission).

Conditions:
Autosomal recessive spastic paraplegia type 78. Identifiers: Orphanet 513436, MedGen C5567893, MONDO:0014975, OMIM 617225.
Kufor-Rakeb syndrome (KRS). Also called: PARKINSON DISEASE 9, AUTOSOMAL RECESSIVE, JUVENILE-ONSET. Identifiers: Orphanet 306674, Orphanet 314632, MedGen C1847640, MONDO:0011706, OMIM 606693.

Submission:

Labcorp Genetics (formerly Invitae), Labcorp
Classification: Uncertain significance for Kufor-Rakeb syndrome; Autosomal recessive spastic paraplegia type 78. Last evaluated: 2022-03-14. Review status: criteria provided, single submitter. Criteria: Invitae Variant Classification Sherloc (09022015). Collection method: clinical testing. Allele origin: germline.
Comment: This variant is not present in population databases (gnomAD no frequency). This variant, c.1325_1333del, results in the deletion of 3 amino acid(s) of the ATP13A2 protein (p.Tyr442_Ile444del), but otherwise preserves the integrity of the reading frame. This variant has not been reported in the literature in individuals affected with ATP13A2-related conditions. Experimental studies and prediction algorithms are not available or were not evaluated, and the functional significance of this variant is currently unknown. In summary, the available evidence is currently insufficient to determine the role of this variant in disease. Therefore, it has been classified as a Variant of Uncertain Significance.

NM_022089.4(ATP13A2):c.1325_1333del (p.Tyr442_Ile444del)

Gene: ATP13A2 (ATPase cation transporting 13A2; minus strand). Cytogenetic location: 1p36.13.
Variant type: Deletion.
Coding change: c.1325_1333del on transcript NM_022089.4 (MANE Select); coding-DNA positions 1325 to 1333, 9 bases deleted (ACAGCATCT; older notation c.1325_1333delACAGCATCT).
Protein change: p.Tyr442_Ile444del.
Molecular consequence: inframe deletion.
Genome position (GRCh38, 1-based): chr1:16,996,274-16,996,282, AGATGCTGT deleted on the plus strand (ACAGCATCT on the coding strand, the reverse complement: ATP13A2 is on the minus strand); deleting any 9 consecutive bases within chr1:16,996,274-16,996,287 gives the same sequence; the c. name uses the placement nearest the transcript's 3' end. VCF-style (leftmost placement, unchanged base first): chr1-16996273-AAGATGCTGT-A. GRCh37 (hg19) VCF-style: chr1-17322768-AAGATGCTGT-A.
Other names: c.1310_1318del, p.Tyr437_Ile439del (NM_001141973.3, NM_001141974.3).
Identifiers: ClinVar variation 1965208 (VCV001965208.5), dbSNP rs2077119291, ClinGen allele CA1156031105.